The following is an entry in ClinVar:

NM_001298.3(CNGA3):c.1073G>C (p.Trp358Ser)

Gene: CNGA3 (cyclic nucleotide gated channel subunit alpha 3; plus strand). Cytogenetic location: 2q11.2.
Variant type: single nucleotide variant.
Coding change: c.1073G>C on transcript NM_001298.3 (MANE Select); coding-DNA position 1073, G replaced by C.
Protein change: p.Trp358Ser; replaces tryptophan 358 with serine.
Molecular consequence: missense variant.
Genome position (GRCh38, 1-based): chr2:98,396,243, G>C. VCF-style: chr2-98396243-G-C. GRCh37 (hg19) VCF-style: chr2-99012706-G-C.
Other names: NC_000002.11:g.99012706G>C; NP_001289.1:p.(Trp358Ser); c.1019G>C, p.Trp340Ser (NM_001079878.2); short protein forms W340S, W358S.
Identifiers: ClinVar variation 2577506 (VCV002577506.2), dbSNP rs2467029031, ClinGen allele CA347832774.
Genomic context (GRCh38, chr2:98,396,243, plus strand): 5'-CAAACATCTCAATCCCAGAGCATGGGCGCCTCTCCAGGAAGTACATTTACAGTCTCTACT[G>C]GTCCACCTTGACCCTTACCACCATTGGTGAGACCCCACCCCCCGTGAAAGATGAGGAGTA-3'
Protein context (NP_001289.1, residues 348-368): LSRKYIYSLY[Trp358Ser]STLTLTTIGE

ClinVar aggregate classification (germline): Likely pathogenic (1 of 4 stars; one submission).

Conditions:
Cone-rod dystrophy. Also called: Cone-rod degeneration; Cone/cone-rod dystrophy. Identifiers: Orphanet 1872, MedGen C4085590, MONDO:0015993, HP:0000548.

Submission:

Ophthalmic Genetics Group, Institute of Molecular and Clinical Ophthalmology Basel
Classification: Likely pathogenic for Cone-rod dystrophy. Last evaluated: 2023-07-24. Review status: criteria provided, single submitter. Criteria: ACMG Guidelines, 2015. Collection method: research. Allele origin: germline. Affected: yes. Observed: 1 variant allele.
Comment: Clinical significance based on ACMG v2.0

This variant was classified as Likely pathogenic based on ACMG criteria: PM2, PM1, PP3, PP2.

Literature cited by the submitters: PubMed 36909829.